The following is an entry in ClinVar:

ClinVar aggregate classification (germline): Uncertain significance (1 of 4 stars; one submission).

Conditions:
Leigh syndrome (NULS). Also called: Leigh's necrotizing encephalopathy; Leigh's disease; Leigh Syndrome (mtDNA deletion); Leigh Disease; Subacute necrotizing encephalopathy; Necrotizing encephalopathy infantile subacute of Leigh. Identifiers: Orphanet 506, MedGen C2931891, MONDO:0009723, OMIM 256000.

Submission:

Wong Mito Lab, Molecular and Human Genetics, Baylor College of Medicine
Classification: Uncertain significance for Leigh syndrome. Last evaluated: 2019-10-17. Review status: criteria provided, single submitter. Criteria: Modified ACMG Guidelines (Unpublished). Collection method: clinical testing. Allele origin: germline.
Comment: The NC_012920.1:m.6286T>C (YP_003024028.1:p.Val128Ala) variant in MTCO1 gene is interpretated to be a Uncertain Significance variant based on the modified ACMG guidelines (unpublished). This variant meets the following evidence codes: PP3

NC_012920.1(MT-CO1):m.6286T>C

Gene: MT-CO1 (mitochondrially encoded cytochrome c oxidase I; plus strand).
Variant type: single nucleotide variant.
Genome position: chrM-6286-T-C.
Identifiers: ClinVar variation 692636 (VCV000692636.1), dbSNP rs1603220392, ClinGen allele CA414782986.